The following is an entry in ClinVar:

NM_000540.3(RYR1):c.7794G>A (p.Ala2598=)

Gene: RYR1 (ryanodine receptor 1; plus strand). Cytogenetic location: 19q13.2.
Variant type: single nucleotide variant.
Coding change: c.7794G>A on transcript NM_000540.3 (MANE Select); coding-DNA position 7794, G replaced by A.
Protein change: p.Ala2598=; no amino-acid change (alanine 2598 retained).
Molecular consequence: synonymous variant.
Genome position (GRCh38, 1-based): chr19:38,502,686, G>A. VCF-style: chr19-38502686-G-A. GRCh37 (hg19) VCF-style: chr19-38993326-G-A.
Other names: c.7794G>A, p.Ala2598= (NM_001042723.2).
Identifiers: ClinVar variation 1152583 (VCV001152583.12), dbSNP rs576856474, ClinGen allele CA070280.

ClinVar aggregate classification (germline): Likely benign. Review status: criteria provided, multiple submitters, no conflicts (2 of 4 stars). 3 submissions from 3 submitters: Likely benign (3). Last evaluated 2025-12-31.

Conditions:
RYR1-related disorder. Also called: RYR1-related condition; RYR1-related disorders. Identifiers: MedGen CN239331.
Malignant hyperthermia, susceptibility to, 1 (MHS1). Also called: Anesthesia related hyperthermia; Malignant hyperpyrexia; Fulminating hyperpyrexia; Pharmacogenic myopathy; Malignant hyperthermia suceptibility 1; RYR1-Related Malignant Hyperthermia Susceptibility. Identifiers: Orphanet 423, MedGen C2930980, MONDO:0007783, OMIM 145600.

Allele frequency attached by ClinVar (database versions not stated): 1000 Genomes Project 30x 0.00016; 1000 Genomes Project 0.00020.
gnomAD v4.1: 11 of 1,608,118 alleles (0.00068%); highest among the groups gnomAD compares: African/African-American, 0.0094%; no homozygotes.

Submissions (3):

Labcorp Genetics (formerly Invitae), Labcorp
Classification: Likely benign for RYR1-related disorder. Last evaluated: 2025-12-31. Review status: criteria provided, single submitter. Criteria: Invitae Variant Classification Sherloc (09022015). Collection method: clinical testing. Allele origin: germline.

All of Us Research Program, National Institutes of Health
Classification: Likely benign for Malignant hyperthermia, susceptibility to, 1. Last evaluated: 2024-07-29. Review status: criteria provided, single submitter. Criteria: ACMG Guidelines, 2015. Collection method: clinical testing. Allele origin: germline. Inheritance: Autosomal dominant inheritance. Observed: 6 variant alleles, 6 heterozygotes.
Comment: This study involves interpretation of variants in research participants for the purpose of population health screening. Participant phenotype was not available at the time of variant classification. Additional details can be found in publication PMID: 35346344, PMCID: PMC8962531

Color Diagnostics, LLC DBA Color Health
Classification: Likely benign for Malignant hyperthermia, susceptibility to, 1. Last evaluated: 2023-11-22. Review status: criteria provided, single submitter. Criteria: ACMG Guidelines, 2015. Collection method: clinical testing. Allele origin: germline.